The following is an entry in ClinVar:

ClinVar aggregate classification (germline): Uncertain significance (1 of 4 stars; one submission).

Conditions:
Cardiovascular phenotype. Identifiers: MedGen CN230736.

gnomAD v4.1: 2 of 1,614,044 alleles (0.00012%); highest among the groups gnomAD compares: African/African-American, 0.0027%; no homozygotes.

Submission:

Ambry Genetics
Classification: Uncertain significance for Cardiovascular phenotype. Last evaluated: 2025-06-01. Review status: criteria provided, single submitter. Criteria: Ambry Variant Classification Scheme 2023. Collection method: clinical testing. Allele origin: germline.
Comment: The p.L1738F variant (also known as c.5212C>T), located in coding exon 26 of the APOB gene, results from a C to T substitution at nucleotide position 5212. The leucine at codon 1738 is replaced by phenylalanine, an amino acid with highly similar properties. This amino acid position is conserved. In addition, this alteration is predicted to be tolerated by in silico analysis. Based on the available evidence, the clinical significance of this variant remains unclear.

NM_000384.3(APOB):c.5212C>T (p.Leu1738Phe)

Gene: APOB (apolipoprotein B; minus strand). Cytogenetic location: 2p24.1.
Variant type: single nucleotide variant.
Coding change: c.5212C>T on transcript NM_000384.3 (MANE Select); coding-DNA position 5212, C replaced by T.
Protein change: p.Leu1738Phe; replaces leucine 1738 with phenylalanine.
Molecular consequence: missense variant.
Genome position (GRCh38, 1-based): chr2:21,011,656, G>A on the plus strand (C>T on the coding strand, the complement: APOB is on the minus strand). VCF-style: chr2-21011656-G-A. GRCh37 (hg19) VCF-style: chr2-21234528-G-A.
Other names: short protein forms L1738F.
Identifiers: ClinVar variation 3933319 (VCV003933319.1).